The following is an entry in ClinVar:

ClinVar aggregate classification (germline): Conflicting classifications of pathogenicity. Review status: criteria provided, conflicting classifications (1 of 4 stars). 5 submissions from 5 submitters: Uncertain significance (4); Likely benign (1). Last evaluated 2025-08-03.

Conditions:
Inborn genetic diseases. Identifiers: MedGen C0950123, MeSH D030342.
Spastic paraplegia. Identifiers: MedGen C0037772, HP:0001258.

Allele frequency attached by ClinVar (database versions not stated): TOPMed 0.00019; gnomAD exomes 0.00020; ExAC 0.00026; 1000 Genomes Project 0.00040; 1000 Genomes Project 30x 0.00047.
gnomAD v4.1: 308 of 1,488,928 alleles (0.021%); highest among the groups gnomAD compares: Middle Eastern, 0.34%; 2 homozygotes.

Submissions (5):

Labcorp Genetics (formerly Invitae), Labcorp
Classification: Likely benign for Spastic paraplegia. Last evaluated: 2025-08-03. Review status: criteria provided, single submitter. Criteria: Invitae Variant Classification Sherloc (09022015). Collection method: clinical testing. Allele origin: germline.

Blueprint Genetics
Classification: Uncertain significance. Last evaluated: 2024-11-07. Review status: criteria provided, single submitter. Criteria: ACMG Guidelines, 2015. Collection method: clinical testing. Allele origin: germline.

Women's Health and Genetics/Laboratory Corporation of America, LabCorp
Classification: Uncertain significance. Last evaluated: 2024-07-02. Review status: criteria provided, single submitter. Criteria: LabCorp Variant Classification Summary - May 2015. Collection method: clinical testing. Allele origin: germline.
Comment: Variant summary: GJC2 c.1150C>T (p.Pro384Ser) results in a non-conservative amino acid change in the encoded protein sequence. Three of five in-silico tools predict a benign effect of the variant on protein function. The variant allele was found at a frequency of 0.0002 in 89292 control chromosomes (gnomAD). This frequency is not significantly higher than estimated for a pathogenic variant in GJC2 causing Hypomyelinating Leukodystrophy 2, allowing no conclusion about variant significance. c.1150C>T has been reported in the literature in individuals affected with primary or secondary lymphodema (Finegold_2012, Michelini_2016). These reports do not provide unequivocal conclusions about association of the variant with Hypomyelinating Leukodystrophy 2. At least one publication reports experimental evidence evaluating an impact on protein function, however, does not allow convincing conclusions about the variant effect (Finegold_2016). ClinVar contains an entry for this variant (Variation ID: 945347). Based on the evidence outlined above, the variant was classified as uncertain significance.

GeneDx
Classification: Uncertain significance. Last evaluated: 2023-04-03. Review status: criteria provided, single submitter. Criteria: GeneDx Variant Classification Process June 2021. Collection method: clinical testing. Allele origin: germline. Affected: yes.
Comment: Reported in patients with primary or secondary lymphedema in the literature (Finegold et al., 2012; Michelini et al., 2016), please note Finegold et al. describes the variant as P381S; In silico analysis supports that this missense variant does not alter protein structure/function; This variant is associated with the following publications: (PMID: 22351697, 34890032, 29906362)

Ambry Genetics
Classification: Uncertain significance for Inborn genetic diseases. Last evaluated: 2021-10-13. Review status: criteria provided, single submitter. Criteria: Ambry Variant Classification Scheme 2023. Collection method: clinical testing. Allele origin: germline.

Literature cited by the submitters: PubMed 22351697 (cited by Women's Health and Genetics/Laboratory Corporation of America, LabCorp); PubMed 29906362 (cited by Women's Health and Genetics/Laboratory Corporation of America, LabCorp).

NM_020435.4(GJC2):c.1150C>T (p.Pro384Ser)

Gene: GJC2 (gap junction protein gamma 2; plus strand). Cytogenetic location: 1q42.13.
Variant type: single nucleotide variant.
Coding change: c.1150C>T on transcript NM_020435.4 (MANE Select); coding-DNA position 1150, C replaced by T.
Protein change: p.Pro384Ser; replaces proline 384 with serine.
Molecular consequence: missense variant.
Genome position (GRCh38, 1-based): chr1:228,158,908, C>T. VCF-style: chr1-228158908-C-T. GRCh37 (hg19) VCF-style: chr1-228346609-C-T.
Other names: short protein forms P384S.
Identifiers: ClinVar variation 945347 (VCV000945347.14), dbSNP rs535282333, ClinGen allele CA1430955.